The following is an entry in ClinVar:

NM_006080.3(SEMA3A):c.458A>G (p.Asn153Ser)

Gene: SEMA3A (semaphorin 3A; minus strand). Cytogenetic location: 7q21.11.
Variant type: single nucleotide variant.
Coding change: c.458A>G on transcript NM_006080.3 (MANE Select); coding-DNA position 458, A replaced by G.
Protein change: p.Asn153Ser; replaces asparagine 153 with serine.
Molecular consequence: missense variant.
Genome position (GRCh38, 1-based): chr7:84,060,554, T>C on the plus strand (A>G on the coding strand, the complement: SEMA3A is on the minus strand). VCF-style: chr7-84060554-T-C. GRCh37 (hg19) VCF-style: chr7-83689870-T-C.
Other names: short protein forms N153S.
Identifiers: ClinVar variation 68836 (VCV000068836.40), dbSNP rs139295139, ClinGen allele CA220076.

ClinVar aggregate classification (germline): Conflicting classifications of pathogenicity. Review status: criteria provided, conflicting classifications (1 of 4 stars). 10 submissions from 10 submitters: Uncertain significance (1); Likely benign (4). 5 of the submissions do not count toward it. Last evaluated 2026-06-04.

Conditions:
SEMA3A-related disorder. Also called: SEMA3A-related condition.
Hypogonadotropic hypogonadism 16 with or without anosmia (HH16). Also called: HYPOGONADOTROPIC HYPOGONADISM 16 WITH ANOSMIA, SUSCEPTIBILITY TO. Identifiers: Orphanet 478, MedGen C3554021, MONDO:0013961, OMIM 614897.
Amenorrhea. Identifiers: MedGen C0002453, MONDO:0001836, HP:0000141.

Allele frequency attached by ClinVar (database versions not stated): 1000 Genomes Project 30x 0.00062; 1000 Genomes Project 0.00080; ExAC 0.00230; gnomAD exomes 0.00231 and 0.00382; gnomAD 0.00248 and 0.00254; TOPMed 0.00261; ESP Exome Variant Server 0.00354.
gnomAD v4.1: 5,808 of 1,583,366 alleles (0.37%); highest among the groups gnomAD compares: Non-Finnish European, 0.45%; 20 homozygotes.

Submissions (10):

Women's Health and Genetics/Laboratory Corporation of America, LabCorp
Classification: Likely benign. Last evaluated: 2026-06-04. Review status: criteria provided, single submitter. Criteria: LabCorp Variant Classification Summary - May 2015. Collection method: clinical testing. Allele origin: germline.
Comment: Variant summary: SEMA3A c.458A>G (p.Asn153Ser) results in a conservative amino acid change in the encoded protein sequence. Algorithms developed to predict the effect of missense changes on protein structure and function are either unavailable or do not agree on the potential impact of this missense change. The variant allele was found at a frequency of 0.0023 in 226496 control chromosomes, predominantly at a frequency of 0.0037 within the Non-Finnish European subpopulation in the gnomAD database, including 1 homozygote. The observed variant frequency within Non-Finnish European control individuals in the gnomAD database exceeds the estimated maximal expected allele frequency for disease-causing variants in SEMA3A. c.458A>G has been observed in individual(s) affected with SEMA3A-related conditions without strong evidence for causality (example, Hanchate_2012, Nicolaou_2016). These report(s) do not provide unequivocal conclusions about association of the variant with disease. At least one publication reports experimental evidence evaluating an impact on protein function. The most pronounced variant effect results in 30%-50% of normal activity in vitro (example, Hanchate_2012). ClinVar contains an entry for this variant (Variation ID: 68836). Based on the evidence outlined above, the variant was classified as likely benign.

CeGaT Center for Human Genetics Tuebingen
Classification: Likely benign. Last evaluated: 2026-04-01. Review status: criteria provided, single submitter. Criteria: CeGaT Center For Human Genetics Tuebingen Variant Classification Criteria Version 2. Collection method: clinical testing. Allele origin: germline. Affected: yes. Observed: 6 variant alleles.
Comment: SEMA3A: BP4, BS2

Labcorp Genetics (formerly Invitae), Labcorp
Classification: Likely benign. Last evaluated: 2026-01-15. Review status: criteria provided, single submitter. Criteria: Invitae Variant Classification Sherloc (09022015). Collection method: clinical testing. Allele origin: germline.

GeneDx
Classification: Likely benign. Last evaluated: 2020-10-19. Review status: criteria provided, single submitter. Criteria: GeneDx Variant Classification Process June 2021. Collection method: clinical testing. Allele origin: germline. Affected: yes.
Comment: This variant is associated with the following publications: (PMID: 32724172, 32870266, 22927827, 24522099)

Mendelics
Classification: Uncertain significance for Hypogonadotropic hypogonadism 16 with or without anosmia. Last evaluated: 2019-05-28. Review status: criteria provided, single submitter. Criteria: Mendelics Assertion Criteria 2017. Collection method: clinical testing. Allele origin: unknown.

Yale Center for Mendelian Genomics, Yale University
Classification: Uncertain significance for Amenorrhea. Last evaluated: 2021-03-08. Review status: no assertion criteria provided. Collection method: literature only. Allele origin: unknown. Affected: yes. Observed: 1 heterozygote. Study: Yale Center for Mendelian Genomics. Not counted in ClinVar's aggregate classification.

PreventionGenetics, part of Exact Sciences
Classification: Likely benign for SEMA3A-related condition. Last evaluated: 2019-10-03. Review status: no assertion criteria provided. Collection method: clinical testing. Allele origin: germline. Not counted in ClinVar's aggregate classification.
Comment: This variant is classified as likely benign based on ACMG/AMP sequence variant interpretation guidelines (Richards et al. 2015 PMID: 25741868, with internal and published modifications).

Clinical Genetics DNA and cytogenetics Diagnostics Lab, Erasmus MC, Erasmus Medical Center
Classification: Uncertain significance. Review status: no assertion criteria provided. Collection method: clinical testing. Allele origin: germline. Affected: yes. Study: VKGL Data-share Consensus. Not counted in ClinVar's aggregate classification.

Joint Genome Diagnostic Labs from Nijmegen and Maastricht, Radboudumc and MUMC+
Classification: Uncertain significance. Review status: no assertion criteria provided. Collection method: clinical testing. Allele origin: germline. Affected: yes. Study: VKGL Data-share Consensus. Not counted in ClinVar's aggregate classification.

UniProtKB/Swiss-Prot
No classification provided. Review status: no classification provided. Collection method: not provided. Allele origin: not provided. Not counted in ClinVar's aggregate classification.

Literature cited by the submitters: PubMed 26489027 (cited by Women's Health and Genetics/Laboratory Corporation of America, LabCorp); PubMed 22927827 (cited by Women's Health and Genetics/Laboratory Corporation of America, LabCorp); PubMed 32870266 (cited by Yale Center for Mendelian Genomics, Yale University).